The following is an entry in ClinVar:

NM_000169.3(GLA):c.570_585del (p.Leu191fs)

Genes: GLA (galactosidase alpha; minus strand), RPL36A-HNRNPH2 (RPL36A-HNRNPH2 readthrough; plus strand). Cytogenetic location: Xq22.1.
Variant type: Deletion.
Coding change: c.570_585del on transcript NM_000169.3 (MANE Select); coding-DNA positions 570 to 585, 16 bases deleted (CCTGAATAGGACTGGC).
Protein change: p.Leu191fs; shifts the reading frame from leucine 191.
Molecular consequence: frameshift variant. On other transcripts: non-coding transcript variant (2), intron variant (2).
Genome position (GRCh38, 1-based): chrX:101,400,720-101,400,735, GCCAGTCCTATTCAGG deleted on the plus strand (CCTGAATAGGACTGGC on the coding strand, the reverse complement: GLA is on the minus strand); deleting any 16 consecutive bases within chrX:101,400,720-101,400,739 gives the same sequence; the c. name uses the placement nearest the transcript's 3' end. VCF-style (leftmost placement, unchanged base first): chrX-101400719-TGCCAGTCCTATTCAGG-T. GRCh37 (hg19) VCF-style: chrX-100655707-TGCCAGTCCTATTCAGG-T.
Other names: c.693_708del, p.Leu232fs (NM_001406747.1); c.570_585del, p.Leu191fs (NM_001406748.1); c.300+5267_300+5282del (NM_001199973.2); c.177+8902_177+8917del (NM_001199974.2); short protein forms L191fs, L232fs.
Identifiers: ClinVar variation 4974897 (VCV004974897.1).

ClinVar aggregate classification (germline): Pathogenic (1 of 4 stars; one submission).

Conditions:
Fabry disease. Also called: Fabry's disease; ALPHA-GALACTOSIDASE A DEFICIENCY; ANDERSON-FABRY DISEASE; CERAMIDE TRIHEXOSIDASE DEFICIENCY; GLA DEFICIENCY; HEREDITARY DYSTOPIC LIPIDOSIS. Identifiers: Orphanet 324, MedGen C0002986, MONDO:0010526, OMIM 301500, HP:0001071. Disease mechanism: Fabry disease is due to inactivating mutations in the X-linked GLA gene resulting in deficiency of the enzyme Alpha Galactosidase-A., loss of function.

Submission:

Genomenon, Inc
Classification: Pathogenic for Fabry disease. Last evaluated: 2026-09-08. Review status: criteria provided, single submitter. Criteria: Genomenon Sequence Variant Interpretation Standards - Updated. Collection method: curation. Allele origin: germline. Affected: yes.
Comment: GLA p.Leu191GlufsTer44 (c.570_585del) is a frameshift variant that is predicted to introduce a premature termination codon and result in a truncated or absent protein product. This variant has been observed in at least one proband with clinical features consistent with Fabry disease (PMID:22085605). It is absent or not present at a significant frequency in gnomAD. In conclusion, we classify GLA p.Leu191GlufsTer44 (c.570_585del) as a pathogenic variant.

Literature cited by the submitters: PubMed 22085605.